The following is an entry in ClinVar:

ClinVar aggregate classification (germline): Conflicting classifications of pathogenicity. Review status: criteria provided, conflicting classifications (1 of 4 stars). 5 submissions from 5 submitters: Uncertain significance (4); Likely benign (1). Last evaluated 2025-11-08.

Conditions:
Meckel syndrome, type 11 (MKS11). Identifiers: Orphanet 564, MedGen C3809352, MONDO:0014164, OMIM 615397.
Joubert syndrome 20 (JBTS20). Identifiers: Orphanet 475, MedGen C3554235, MONDO:0013994, OMIM 614970.
Inborn genetic diseases. Identifiers: MedGen C0950123, MeSH D030342.

Allele frequency attached by ClinVar (database versions not stated): TOPMed 0.00002; gnomAD 0.00005; gnomAD exomes 0.00007 and 0.00010; ExAC 0.00012; 1000 Genomes Project 30x 0.00016; 1000 Genomes Project 0.00020.

Submissions (5):

Ambry Genetics
Classification: Uncertain significance for Inborn genetic diseases. Last evaluated: 2025-11-08. Review status: criteria provided, single submitter. Criteria: Ambry Variant Classification Scheme 2023. Collection method: clinical testing. Allele origin: germline.

Blueprint Genetics
Classification: Likely benign. Last evaluated: 2024-09-20. Review status: criteria provided, single submitter. Criteria: ACMG Guidelines, 2015. Collection method: clinical testing. Allele origin: germline.

Fulgent Genetics
Classification: Uncertain significance for Joubert syndrome 20; Meckel syndrome, type 11. Last evaluated: 2024-01-20. Review status: criteria provided, single submitter. Criteria: ACMG Guidelines, 2015. Collection method: clinical testing. Allele origin: germline.

Women's Health and Genetics/Laboratory Corporation of America, LabCorp
Classification: Uncertain significance. Last evaluated: 2024-01-11. Review status: criteria provided, single submitter. Criteria: LabCorp Variant Classification Summary - May 2015. Collection method: clinical testing. Allele origin: germline.

Labcorp Genetics (formerly Invitae), Labcorp
Classification: Uncertain significance for Joubert syndrome 20; Meckel syndrome, type 11. Last evaluated: 2022-06-09. Review status: criteria provided, single submitter. Criteria: Invitae Variant Classification Sherloc (09022015). Collection method: clinical testing. Allele origin: germline.
Comment: This sequence change replaces glycine, which is neutral and non-polar, with serine, which is neutral and polar, at codon 240 of the TMEM231 protein (p.Gly240Ser). This variant is present in population databases (rs563492919, gnomAD 0.07%). This variant has not been reported in the literature in individuals affected with TMEM231-related conditions. Algorithms developed to predict the effect of missense changes on protein structure and function output the following: SIFT: "Tolerated"; PolyPhen-2: "Not Available"; Align-GVGD: "Class C0". The serine amino acid residue is found in multiple mammalian species, which suggests that this missense change does not adversely affect protein function. In summary, the available evidence is currently insufficient to determine the role of this variant in disease. Therefore, it has been classified as a Variant of Uncertain Significance.

NM_001077418.3(TMEM231):c.559G>A (p.Gly187Ser)

Gene: TMEM231 (transmembrane protein 231; minus strand). Cytogenetic location: 16q23.1.
Variant type: single nucleotide variant.
Coding change: c.559G>A on transcript NM_001077418.3 (MANE Select); coding-DNA position 559, G replaced by A.
Protein change: p.Gly187Ser; replaces glycine 187 with serine.
Molecular consequence: missense variant. On other transcripts: non-coding transcript variant (1).
Genome position (GRCh38, 1-based): chr16:75,545,375, C>T on the plus strand (G>A on the coding strand, the complement: TMEM231 is on the minus strand). VCF-style: chr16-75545375-C-T. GRCh37 (hg19) VCF-style: chr16-75579273-C-T.
Other names: c.718G>A, p.Gly240Ser (NM_001077416.2); c.646G>A (NM_001077416.1); short protein forms G187S, G240S.
Identifiers: ClinVar variation 1381391 (VCV001381391.8), dbSNP rs563492919, ClinGen allele CA8176156.